The following is an entry in ClinVar:

ClinVar aggregate classification (germline): Uncertain significance. Review status: criteria provided, multiple submitters, no conflicts (2 of 4 stars). 3 submissions from 3 submitters: Uncertain significance (3). Last evaluated 2025-11-11.

Allele frequency attached by ClinVar (database versions not stated): ExAC 0.00002; TOPMed 0.00004; 1000 Genomes Project 30x 0.00031; gnomAD exomes 0.00002 and 0.00003; 1000 Genomes Project 0.00040; gnomAD 0.00005.
gnomAD v4.1: 31 of 1,614,132 alleles (0.0019%); highest among the groups gnomAD compares: African/African-American, 0.0053%; no homozygotes.

Submissions (3):

Labcorp Genetics (formerly Invitae), Labcorp
Classification: Uncertain significance. Last evaluated: 2025-11-11. Review status: criteria provided, single submitter. Criteria: Invitae Variant Classification Sherloc (09022015). Collection method: clinical testing. Allele origin: germline.
Comment: This sequence change replaces arginine, which is basic and polar, with cysteine, which is neutral and slightly polar, at codon 678 of the ADCY5 protein (p.Arg678Cys). This variant is present in population databases (rs200028776, gnomAD 0.007%). This variant has not been reported in the literature in individuals affected with ADCY5-related conditions. ClinVar contains an entry for this variant (Variation ID: 1404169). Invitae Evidence Modeling of protein sequence and biophysical properties (such as structural, functional, and spatial information, amino acid conservation, physicochemical variation, residue mobility, and thermodynamic stability) indicates that this missense variant is expected to disrupt ADCY5 protein function with a positive predictive value of 80%. In summary, the available evidence is currently insufficient to determine the role of this variant in disease. Therefore, it has been classified as a Variant of Uncertain Significance.

Dasa
Classification: Uncertain significance. Last evaluated: 2025-11-10. Review status: criteria provided, single submitter. Criteria: DASA Assertion Criteria. Collection method: clinical testing. Allele origin: germline.
Comment: NM_183357.3(ADCY5):c.2032C>T (p.Arg678Cys) is a missense variant that results in the substitution of arginine with cysteine. This variant is rare in population databases. Computational prediction algorithms are consistent with a deleterious effect. The currently available literature and clinical evidence are not sufficient to establish a definitive association between this variant and the reported condition. Therefore, this variant is classified as a variant of uncertain significance.

Women's Health and Genetics/Laboratory Corporation of America, LabCorp
Classification: Uncertain significance. Last evaluated: 2025-04-15. Review status: criteria provided, single submitter. Criteria: LabCorp Variant Classification Summary - May 2015. Collection method: clinical testing. Allele origin: germline.
Comment: Variant summary: ADCY5 c.2032C>T (p.Arg678Cys) results in a non-conservative amino acid change in the encoded protein sequence. Four of five in-silico tools predict a damaging effect of the variant on protein function. The variant allele was found at a frequency of 3.2e-05 in 251462 control chromosomes. The available data on variant occurrences in the general population are insufficient to allow any conclusion about variant significance. To our knowledge, no occurrence of c.2032C>T in individuals affected with Familial Dyskinesia With Facial Myokymia and no experimental evidence demonstrating its impact on protein function have been reported. ClinVar contains an entry for this variant (Variation ID: 1404169). Based on the evidence outlined above, the variant was classified as uncertain significance.

NM_183357.3(ADCY5):c.2032C>T (p.Arg678Cys)

Gene: ADCY5 (adenylate cyclase 5; minus strand). Cytogenetic location: 3q21.1.
Variant type: single nucleotide variant.
Coding change: c.2032C>T on transcript NM_183357.3 (MANE Select); coding-DNA position 2032, C replaced by T.
Protein change: p.Arg678Cys; replaces arginine 678 with cysteine.
Molecular consequence: missense variant.
Genome position (GRCh38, 1-based): chr3:123,325,378, G>A on the plus strand (C>T on the coding strand, the complement: ADCY5 is on the minus strand). VCF-style: chr3-123325378-G-A. GRCh37 (hg19) VCF-style: chr3-123044225-G-A.
Other names: c.982C>T, p.Arg328Cys (NM_001199642.1); c.2032C>T, p.Arg678Cys (NM_001378259.1); short protein forms R328C, R678C.
Identifiers: ClinVar variation 1404169 (VCV001404169.10), dbSNP rs200028776, ClinGen allele CA2577283.